The following is an entry in ClinVar:

ClinVar aggregate classification (germline): Uncertain significance (1 of 4 stars; one submission).

Conditions:
Charcot-Marie-Tooth disease axonal type 2Z. Also called: CHARCOT-MARIE-TOOTH DISEASE, AXONAL, AUTOSOMAL DOMINANT, TYPE 2Z; CHARCOT-MARIE-TOOTH NEUROPATHY, TYPE 2Z. Identifiers: Orphanet 466768, MedGen C5569025, MONDO:0014736, OMIM 616688.

Submission:

Labcorp Genetics (formerly Invitae), Labcorp
Classification: Uncertain significance for Charcot-Marie-Tooth disease axonal type 2Z. Last evaluated: 2024-08-12. Review status: criteria provided, single submitter. Criteria: Invitae Variant Classification Sherloc (09022015). Collection method: clinical testing. Allele origin: germline.
Comment: This sequence change replaces valine, which is neutral and non-polar, with leucine, which is neutral and non-polar, at codon 607 of the MORC2 protein (p.Val607Leu). This variant is not present in population databases (gnomAD no frequency). This variant has not been reported in the literature in individuals affected with MORC2-related conditions. Advanced modeling of protein sequence and biophysical properties (such as structural, functional, and spatial information, amino acid conservation, physicochemical variation, residue mobility, and thermodynamic stability) performed at Invitae indicates that this missense variant is not expected to disrupt MORC2 protein function with a negative predictive value of 95%. In summary, the available evidence is currently insufficient to determine the role of this variant in disease. Therefore, it has been classified as a Variant of Uncertain Significance.

NM_001303256.3(MORC2):c.1819G>T (p.Val607Leu)

Gene: MORC2 (MORC family CW-type zinc finger 2; minus strand). Cytogenetic location: 22q12.2.
Variant type: single nucleotide variant.
Coding change: c.1819G>T on transcript NM_001303256.3 (MANE Select); coding-DNA position 1819, G replaced by T.
Protein change: p.Val607Leu; replaces valine 607 with leucine.
Molecular consequence: missense variant.
Genome position (GRCh38, 1-based): chr22:30,935,155, C>A on the plus strand (G>T on the coding strand, the complement: MORC2 is on the minus strand). VCF-style: chr22-30935155-C-A. GRCh37 (hg19) VCF-style: chr22-31331142-C-A.
Other names: c.1819G>T, p.Val607Leu (NM_001303257.2); c.1633G>T, p.Val545Leu (NM_014941.3); short protein forms V607L, V545L.
Identifiers: ClinVar variation 3730807 (VCV003730807.2).